The following is an entry in ClinVar:

NM_001286577.2(C2CD3):c.1365+1G>A

Gene: C2CD3 (C2 domain containing 3 centriole elongation regulator; minus strand). Cytogenetic location: 11q13.4.
Variant type: single nucleotide variant.
Coding change: c.1365+1G>A on transcript NM_001286577.2 (MANE Select); the canonical splice donor site of the intron after coding-DNA position 1365, G replaced by A.
Molecular consequence: splice donor variant.
Genome position (GRCh38, 1-based): chr11:74,122,987, C>T on the plus strand (G>A on the coding strand, the complement: C2CD3 is on the minus strand). VCF-style: chr11-74122987-C-T. GRCh37 (hg19) VCF-style: chr11-73834032-C-T.
Other names: C2CD3, IVS8, G-A, +1; IVS8, G-A, +1; c.1365+1G>A (NM_015531.6).
Identifiers: ClinVar variation 625149 (VCV000625149.6), dbSNP rs1174615027, ClinGen allele CA381838720.

ClinVar aggregate classification (germline): Likely pathogenic. Review status: criteria provided, single submitter (1 of 4 stars). 2 submissions from 2 submitters: Likely pathogenic (1). 1 of the submissions does not count toward it. Last evaluated 2022-06-05.

Conditions:
Orofaciodigital syndrome type 14. Also called: Orofaciodigital syndrome xiv. Identifiers: Orphanet 434179, MedGen C4706604, MONDO:0014413, OMIM 615948.

Allele frequency attached by ClinVar (database versions not stated): gnomAD exomes below 0.00001.
gnomAD v4.1: 1 of 1,612,044 alleles (0.000062%); highest among the groups gnomAD compares: Non-Finnish European, 0.000085%; no homozygotes.

Submissions (2):

Labcorp Genetics (formerly Invitae), Labcorp
Classification: Likely pathogenic. Last evaluated: 2022-06-05. Review status: criteria provided, single submitter. Criteria: Invitae Variant Classification Sherloc (09022015). Collection method: clinical testing. Allele origin: germline.
Comment: Disruption of this splice site has been observed in individual(s) with orofaciodigital syndrome (PMID: 30097616). It has also been observed to segregate with disease in related individuals. This sequence change affects a donor splice site in intron 8 of the C2CD3 gene. It is expected to disrupt RNA splicing. Variants that disrupt the donor or acceptor splice site typically lead to a loss of protein function (PMID: 16199547), and loss-of-function variants in C2CD3 are known to be pathogenic (PMID: 24997988, 26477546). This variant is present in population databases (no rsID available, gnomAD 0.0009%). ClinVar contains an entry for this variant (Variation ID: 625149). Studies have shown that disruption of this splice site is associated with altered splicing resulting in multiple RNA products (PMID: 30097616). In summary, the currently available evidence indicates that the variant is pathogenic, but additional data are needed to prove that conclusively. Therefore, this variant has been classified as Likely Pathogenic.

OMIM
Classification: Pathogenic for OROFACIODIGITAL SYNDROME XIV. Last evaluated: 2019-04-05. Review status: no assertion criteria provided. Collection method: literature only. Allele origin: germline. Not counted in ClinVar's aggregate classification.

Literature cited by the submitters: PubMed 30097616 (cited by Labcorp Genetics (formerly Invitae), Labcorp and OMIM); PubMed 16199547 (cited by Labcorp Genetics (formerly Invitae), Labcorp); PubMed 24997988 (cited by Labcorp Genetics (formerly Invitae), Labcorp); PubMed 26477546 (cited by Labcorp Genetics (formerly Invitae), Labcorp).